The following is an entry in ClinVar:

NM_032608.7(MYO18B):c.20T>G (p.Leu7Arg)

Gene: MYO18B (myosin XVIIIB; plus strand). Cytogenetic location: 22q12.1.
Variant type: single nucleotide variant.
Coding change: c.20T>G on transcript NM_032608.7 (MANE Select); coding-DNA position 20, T replaced by G.
Protein change: p.Leu7Arg; replaces leucine 7 with arginine.
Molecular consequence: missense variant.
Genome position (GRCh38, 1-based): chr22:25,761,112, T>G. VCF-style: chr22-25761112-T-G. GRCh37 (hg19) VCF-style: chr22-26157079-T-G.
Other names: c.20T>G (NM_032608.5, NM_032608.6); c.20T>G, p.Leu7Arg (NM_001318245.2); short protein forms L7R.
Identifiers: ClinVar variation 1447915 (VCV001447915.9), dbSNP rs376783532, ClinGen allele CA10159432.

ClinVar aggregate classification (germline): Conflicting classifications of pathogenicity. Review status: criteria provided, conflicting classifications (1 of 4 stars). 5 submissions from 5 submitters: Uncertain significance (4); Likely benign (1). Last evaluated 2026-02-06.

Conditions:
Inborn genetic diseases. Identifiers: MedGen C0950123, MeSH D030342.
Klippel-Feil anomaly-myopathy-facial dysmorphism syndrome. Also called: Klippel-feil syndrome 4, autosomal recessive, with nemaline myopathy and facial dysmorphism; Klippel-Feil syndrome 4, autosomal recessive, with myopathy and facial dysmorphism. Identifiers: Orphanet 447974, MedGen C4225285, MONDO:0014689, OMIM 616549.
MYO18B-related disorder. Also called: MYO18B-related condition.

Allele frequency attached by ClinVar (database versions not stated): gnomAD 0.00007; ExAC 0.00009; TOPMed 0.00009; gnomAD exomes 0.00010 and 0.00016; ESP Exome Variant Server 0.00023.
gnomAD v4.1: 161 of 1,613,338 alleles (0.01%); highest among the groups gnomAD compares: Middle Eastern, 0.016%; no homozygotes.

Submissions (5):

PreventionGenetics, part of Exact Sciences
Classification: Likely benign for MYO18B-related condition. Last evaluated: 2026-02-06. Review status: criteria provided, single submitter. Criteria: ACMG Guidelines, 2015. Collection method: clinical testing. Allele origin: germline.
Comment: This variant is classified as likely benign based on ACMG/AMP sequence variant interpretation guidelines (Richards et al. 2015 PMID: 25741868, with internal and published modifications).

Labcorp Genetics (formerly Invitae), Labcorp
Classification: Uncertain significance. Last evaluated: 2025-01-13. Review status: criteria provided, single submitter. Criteria: Invitae Variant Classification Sherloc (09022015). Collection method: clinical testing. Allele origin: germline.
Comment: This sequence change replaces leucine, which is neutral and non-polar, with arginine, which is basic and polar, at codon 7 of the MYO18B protein (p.Leu7Arg). This variant is present in population databases (rs376783532, gnomAD 0.2%). This variant has not been reported in the literature in individuals affected with MYO18B-related conditions. ClinVar contains an entry for this variant (Variation ID: 1447915). An algorithm developed to predict the effect of missense changes on protein structure and function (PolyPhen-2) suggests that this variant is likely to be disruptive. In summary, the available evidence is currently insufficient to determine the role of this variant in disease. Therefore, it has been classified as a Variant of Uncertain Significance.

Blueprint Genetics
Classification: Uncertain significance. Last evaluated: 2024-08-28. Review status: criteria provided, single submitter. Criteria: ACMG Guidelines, 2015. Collection method: clinical testing. Allele origin: germline.

Fulgent Genetics
Classification: Uncertain significance for Klippel-Feil anomaly-myopathy-facial dysmorphism syndrome. Last evaluated: 2024-05-17. Review status: criteria provided, single submitter. Criteria: ACMG Guidelines, 2015. Collection method: clinical testing. Allele origin: germline.

Ambry Genetics
Classification: Uncertain significance for Inborn genetic diseases. Last evaluated: 2022-10-25. Review status: criteria provided, single submitter. Criteria: Ambry Variant Classification Scheme 2023. Collection method: clinical testing. Allele origin: germline.